The following is an entry in ClinVar:

ClinVar aggregate classification (germline): Uncertain significance (1 of 4 stars; one submission).

Submission:

GeneDx
Classification: Uncertain significance. Last evaluated: 2024-11-27. Review status: criteria provided, single submitter. Criteria: GeneDx Variant Classification Process June 2021. Collection method: clinical testing. Allele origin: germline. Affected: yes.
Comment: Not observed at significant frequency in large population cohorts (gnomAD); In silico analysis supports that this missense variant has a deleterious effect on protein structure/function; Has not been previously published as pathogenic or benign to our knowledge

NM_015213.4(DENND5A):c.3743A>T (p.Tyr1248Phe)

Gene: DENND5A (DENN domain containing 5A; minus strand). Cytogenetic location: 11p15.4.
Variant type: single nucleotide variant.
Coding change: c.3743A>T on transcript NM_015213.4 (MANE Select); coding-DNA position 3743, A replaced by T.
Protein change: p.Tyr1248Phe; replaces tyrosine 1248 with phenylalanine.
Molecular consequence: missense variant. On other transcripts: non-coding transcript variant (1).
Genome position (GRCh38, 1-based): chr11:9,139,792, T>A on the plus strand (A>T on the coding strand, the complement: DENND5A is on the minus strand). VCF-style: chr11-9139792-T-A. GRCh37 (hg19) VCF-style: chr11-9161339-T-A.
Other names: c.3709A>T, p.Met1237Leu (NM_001243254.2); c.3671A>T, p.Tyr1224Phe (NM_001348749.2); c.3455A>T, p.Tyr1152Phe (NM_001348750.2); short protein forms M1237L, Y1152F, Y1224F, Y1248F.
Identifiers: ClinVar variation 3900862 (VCV003900862.1).
Genomic context (GRCh38, chr11:9,139,792, plus strand): 5'-TGCAGCACACGAATCAAGGAATTGACAAGTGTATGGTCTTTGATCAGTGCCACATCCTCA[T>A]ACATGTGTGCAGTGATGGGGCAGTCAGCCAGCAGGGCAATCCAGTGGTGTAGGAGGTGAT-3'
Protein context (NP_056028.2, residues 1238-1258): LADCPITAHM[Tyr1248Phe]EDVALIKDHT